The following is an entry in ClinVar:

NM_018043.7(ANO1):c.1227G>A (p.Thr409=)

Gene: ANO1 (anoctamin 1; plus strand). Cytogenetic location: 11q13.3.
Variant type: single nucleotide variant.
Coding change: c.1227G>A on transcript NM_018043.7 (MANE Select); coding-DNA position 1227, G replaced by A.
Protein change: p.Thr409=; no amino-acid change (threonine 409 retained).
Molecular consequence: synonymous variant. On other transcripts: non-coding transcript variant (1).
Genome position (GRCh38, 1-based): chr11:70,132,048, G>A. VCF-style: chr11-70132048-G-A. GRCh37 (hg19) VCF-style: chr11-69978154-G-A.
Other names: c.1416G>A, p.Thr472= (NM_001378092.1); c.1227G>A, p.Thr409= (NM_001378093.1, NM_001378094.2, NM_001378096.2); c.1293G>A, p.Thr431= (NM_001378095.2); c.1128G>A, p.Thr376= (NM_001378097.2).
Identifiers: ClinVar variation 4083716 (VCV004083716.8).

ClinVar aggregate classification (germline): Likely benign (1 of 4 stars; one submission).

gnomAD v4.1: 100 of 1,601,466 alleles (0.0062%); highest among the groups gnomAD compares: African/African-American, 0.027%; no homozygotes.

Submission:

CeGaT Center for Human Genetics Tuebingen
Classification: Likely benign. Last evaluated: 2025-07-01. Review status: criteria provided, single submitter. Criteria: CeGaT Center For Human Genetics Tuebingen Variant Classification Criteria Version 2. Collection method: clinical testing. Allele origin: germline. Affected: yes. Observed: 1 variant allele.
Comment: ANO1: BP4, BP7